The following is an entry in ClinVar:

NM_024675.4(PALB2):c.2949C>T (p.Thr983=)

Gene: PALB2 (partner and localizer of BRCA2; minus strand). Cytogenetic location: 16p12.2.
Variant type: single nucleotide variant.
Coding change: c.2949C>T on transcript NM_024675.4 (MANE Select); coding-DNA position 2949, C replaced by T.
Protein change: p.Thr983=; no amino-acid change (threonine 983 retained).
Molecular consequence: synonymous variant.
Genome position (GRCh38, 1-based): chr16:23,623,016, G>A on the plus strand (C>T on the coding strand, the complement: PALB2 is on the minus strand). VCF-style: chr16-23623016-G-A. GRCh37 (hg19) VCF-style: chr16-23634337-G-A.
Identifiers: ClinVar variation 492205 (VCV000492205.13), dbSNP rs1250153779, ClinGen allele CA494180403.

ClinVar aggregate classification (germline): Benign/Likely benign. Review status: criteria provided, multiple submitters, no conflicts (2 of 4 stars). 3 submissions from 3 submitters: Benign (1); Likely benign (2). Last evaluated 2025-01-21.

Conditions:
Hereditary cancer-predisposing syndrome. Also called: Hereditary neoplastic syndrome; Tumor predisposition; Hereditary Cancer Syndrome; Neoplastic Syndromes, Hereditary. Identifiers: Orphanet 140162, MedGen C0027672, MeSH D009386, MONDO:0015356.
Familial cancer of breast. Also called: Hereditary breast cancer; hereditary breast carcinoma; BREAST CANCER, FAMILIAL. Identifiers: Orphanet 227535, MedGen C0346153, MONDO:0016419, OMIM 114480. Disease mechanism: loss of function.

Submissions (3):

Myriad Genetics, Inc.
Classification: Benign for Familial cancer of breast. Last evaluated: 2025-01-21. Review status: criteria provided, single submitter. Criteria: Myriad Autosomal Dominant, Autosomal Recessive and X-Linked Classification Criteria (2023). Collection method: clinical testing. Allele origin: unknown.
Comment: This variant is considered benign. This variant is a silent/synonymous amino acid change and it is not expected to impact splicing.

Labcorp Genetics (formerly Invitae), Labcorp
Classification: Likely benign for Familial cancer of breast. Last evaluated: 2020-12-17. Review status: criteria provided, single submitter. Criteria: Invitae Variant Classification Sherloc (09022015). Collection method: clinical testing. Allele origin: germline.

Color Diagnostics, LLC DBA Color Health
Classification: Likely benign for Hereditary cancer-predisposing syndrome. Last evaluated: 2016-09-23. Review status: criteria provided, single submitter. Criteria: ACMG Guidelines, 2015. Collection method: clinical testing. Allele origin: germline.